The following is an entry in ClinVar:

ClinVar aggregate classification (germline): Conflicting classifications of pathogenicity. Review status: criteria provided, conflicting classifications (1 of 4 stars). 2 submissions from 2 submitters: Uncertain significance (1); Likely benign (1). Last evaluated 2026-05-01.

Conditions:
RAI1-related disorder. Also called: RAI1-related condition.

Allele frequency attached by ClinVar (database versions not stated): gnomAD 0.00001; gnomAD exomes 0.00001; TOPMed 0.00001.
gnomAD v4.1: 20 of 1,610,852 alleles (0.0012%); highest among the groups gnomAD compares: Admixed American, 0.013%; no homozygotes.

Submissions (2):

PreventionGenetics, part of Exact Sciences
Classification: Uncertain significance for RAI1-related condition. Last evaluated: 2026-05-01. Review status: criteria provided, single submitter. Criteria: ACMG Guidelines, 2015. Collection method: clinical testing. Allele origin: germline.
Comment: The RAI1 c.3605G>A variant is predicted to result in the amino acid substitution p.Arg1202Gln. To our knowledge, this variant has not been reported in the literature. This variant is reported in 0.020% of alleles in individuals of Latino descent in gnomAD, which is higher than expected for an undocumented cause of disease. Although we suspect that this variant may be benign, at this time, the clinical significance of this variant is uncertain due to the absence of conclusive functional and genetic evidence.

Labcorp Genetics (formerly Invitae), Labcorp
Classification: Likely benign. Last evaluated: 2024-02-17. Review status: criteria provided, single submitter. Criteria: Invitae Variant Classification Sherloc (09022015). Collection method: clinical testing. Allele origin: germline.

NM_030665.4(RAI1):c.3605G>A (p.Arg1202Gln)

Gene: RAI1 (retinoic acid induced 1; plus strand). Cytogenetic location: 17p11.2.
Variant type: single nucleotide variant.
Coding change: c.3605G>A on transcript NM_030665.4 (MANE Select); coding-DNA position 3605, G replaced by A.
Protein change: p.Arg1202Gln; replaces arginine 1202 with glutamine.
Molecular consequence: missense variant.
Genome position (GRCh38, 1-based): chr17:17,796,553, G>A. VCF-style: chr17-17796553-G-A. GRCh37 (hg19) VCF-style: chr17-17699867-G-A.
Other names: c.3605G>A (NM_030665.3); short protein forms R1202Q.
Identifiers: ClinVar variation 1626544 (VCV001626544.9), dbSNP rs777229114, ClinGen allele CA8418762.